The following is an entry in ClinVar:

ClinVar aggregate classification (germline): Uncertain significance (1 of 4 stars; one submission).

Submission:

CeGaT Center for Human Genetics Tuebingen
Classification: Uncertain significance. Last evaluated: 2024-10-01. Review status: criteria provided, single submitter. Criteria: CeGaT Center For Human Genetics Tuebingen Variant Classification Criteria Version 2. Collection method: clinical testing. Allele origin: germline. Affected: yes. Observed: 1 variant allele.
Comment: CHD8: PM2, PP2, PP3

NM_001170629.2(CHD8):c.4088G>A (p.Arg1363Lys)

Gene: CHD8 (chromodomain helicase DNA binding protein 8; minus strand). Cytogenetic location: 14q11.2.
Variant type: single nucleotide variant.
Coding change: c.4088G>A on transcript NM_001170629.2 (MANE Select); coding-DNA position 4088, G replaced by A.
Protein change: p.Arg1363Lys; replaces arginine 1363 with lysine.
Molecular consequence: missense variant.
Genome position (GRCh38, 1-based): chr14:21,401,488, C>T on the plus strand (G>A on the coding strand, the complement: CHD8 is on the minus strand). VCF-style: chr14-21401488-C-T. GRCh37 (hg19) VCF-style: chr14-21869647-C-T.
Other names: c.3251G>A, p.Arg1084Lys (NM_020920.4); short protein forms R1084K, R1363K.
Identifiers: ClinVar variation 3389999 (VCV003389999.14).